The following is an entry in ClinVar:

ClinVar aggregate classification (germline): Uncertain significance (1 of 4 stars; one submission).

Submission:

Labcorp Genetics (formerly Invitae), Labcorp
Classification: Uncertain significance. Last evaluated: 2022-09-22. Review status: criteria provided, single submitter. Criteria: Invitae Variant Classification Sherloc (09022015). Collection method: clinical testing. Allele origin: germline.
Comment: In summary, the available evidence is currently insufficient to determine the role of this variant in disease. Therefore, it has been classified as a Variant of Uncertain Significance. Algorithms developed to predict the effect of sequence changes on RNA splicing suggest that this variant may disrupt the consensus splice site. Algorithms developed to predict the effect of missense changes on protein structure and function (SIFT, PolyPhen-2, Align-GVGD) all suggest that this variant is likely to be tolerated. This variant has not been reported in the literature in individuals affected with TBX20-related conditions. This variant is not present in population databases (gnomAD no frequency). This sequence change replaces glycine, which is neutral and non-polar, with valine, which is neutral and non-polar, at codon 335 of the TBX20 protein (p.Gly335Val).

NM_001077653.2(TBX20):c.1004G>T (p.Gly335Val)

Gene: TBX20 (T-box transcription factor 20; minus strand). Cytogenetic location: 7p14.2.
Variant type: single nucleotide variant.
Coding change: c.1004G>T on transcript NM_001077653.2 (MANE Select); coding-DNA position 1004, G replaced by T.
Protein change: p.Gly335Val; replaces glycine 335 with valine.
Molecular consequence: missense variant.
Genome position (GRCh38, 1-based): chr7:35,202,770, C>A on the plus strand (G>T on the coding strand, the complement: TBX20 is on the minus strand). VCF-style: chr7-35202770-C-A. GRCh37 (hg19) VCF-style: chr7-35242382-C-A.
Other names: short protein forms G335V.
Identifiers: ClinVar variation 2031761 (VCV002031761.4), dbSNP rs2546981048, ClinGen allele CA367263416.